The following is an entry in ClinVar:

NM_001164508.2(NEB):c.23009_23013del (p.Ala7670fs)

Genes: NEB (nebulin; minus strand), RIF1 (replication timing regulatory factor 1; plus strand). Cytogenetic location: 2q23.3.
Variant type: Deletion.
Coding change: c.23009_23013del on transcript NM_001164508.2 (MANE Select); coding-DNA positions 23009 to 23013, 5 bases deleted (CAAGC; older notation c.23009_23013delCAAGC).
Protein change: p.Ala7670fs; shifts the reading frame from alanine 7670.
Molecular consequence: frameshift variant.
Genome position (GRCh38, 1-based): chr2:151,514,821-151,514,825, GCTTG deleted on the plus strand (CAAGC on the coding strand, the reverse complement: NEB is on the minus strand). VCF-style (leftmost placement, unchanged base first): chr2-151514820-CGCTTG-C. GRCh37 (hg19) VCF-style: chr2-152371334-CGCTTG-C.
Other names: c.23009_23013del, p.Ala7670fs (NM_001164507.2); c.23114_23118del, p.Ala7705fs (NM_001271208.2); c.17906_17910del, p.Ala5969fs (NM_004543.5); short protein forms A5969fs, A7670fs, A7705fs.
Identifiers: ClinVar variation 4814758 (VCV004814758.1).
Genomic context (GRCh38, chr2:151,514,820, plus strand): 5'-GTGTCACTAGTGCAATTATTTGGATTAAGAGGGAAAGAAAAGACCAAGTGGGCACTACCT[CGCTTG>C]CTATTTTAGTTGCATATTTGACATGTAACAAAGCTGGCGTGACCTCCAGGCCAGTCAGGT-3'

ClinVar aggregate classification (germline): Likely pathogenic (1 of 4 stars; one submission).

Conditions:
Nemaline myopathy 2 (NEM2). Also called: Nemaline myopathy 2, autosomal recessive. Identifiers: MedGen C1850569, MONDO:0009725, OMIM 256030.

Submission:

Natera, Inc.
Classification: Likely pathogenic for Nemaline myopathy type 2. Last evaluated: 2025-09-21. Review status: criteria provided, single submitter. Criteria: Natera Variant Classification Schema (03/2026). Collection method: clinical testing. Allele origin: germline.
Comment: The c.23114_23118delCAAGC variant in NEB is a frameshift variant predicted to shift the reading frame beginning at codon 7705 and leads to a stop codon 19 codons downstream. This variant is expected to result in nonsense mediated decay, truncation, or a dysfunctional protein product. This variant is rare in the general population with a frequency below the threshold expected for the associated phenotype(s). Given the available evidence, this variant is classified as Likely Pathogenic.